The following is an entry in ClinVar:

NM_005530.3(IDH3A):c.287_288del (p.Lys96fs)

Gene: IDH3A (isocitrate dehydrogenase (NAD(+)) 3 catalytic subunit alpha; plus strand). Cytogenetic location: 15q25.1.
Variant type: Deletion.
Coding change: c.287_288del on transcript NM_005530.3 (MANE Select); coding-DNA positions 287 to 288, 2 bases deleted (AA; older notation c.287_288delAA).
Protein change: p.Lys96fs; shifts the reading frame from lysine 96.
Molecular consequence: frameshift variant.
Genome position (GRCh38, 1-based): chr15:78,160,204-78,160,205, AA deleted; deleting any 2 consecutive bases within chr15:78,160,203-78,160,205 gives the same sequence; the c. name uses the placement nearest the transcript's 3' end. VCF-style (leftmost placement, unchanged base first): chr15-78160202-GAA-G. GRCh37 (hg19) VCF-style: chr15-78452544-GAA-G.
Other names: short protein forms K96fs.
Identifiers: ClinVar variation 4734926 (VCV004734926.1).

ClinVar aggregate classification (germline): Pathogenic (1 of 4 stars; one submission).

Submission:

Labcorp Genetics (formerly Invitae), Labcorp
Classification: Pathogenic. Last evaluated: 2026-01-17. Review status: criteria provided, single submitter. Criteria: Invitae Variant Classification Sherloc (09022015). Collection method: clinical testing. Allele origin: germline.
Comment: This sequence change creates a premature translational stop signal (p.Lys96Argfs*23) in the IDH3A gene. It is expected to result in an absent or disrupted protein product. Loss-of-function variants in IDH3A are known to be pathogenic (PMID: 28412069). This variant is not present in population databases (gnomAD no frequency). This variant has not been reported in the literature in individuals affected with IDH3A-related conditions. Algorithms developed to predict the effect of sequence changes on RNA splicing suggest that this variant may disrupt the consensus splice site. For these reasons, this variant has been classified as Pathogenic.

Literature cited by the submitters: PubMed 28412069.